The following is an entry in ClinVar:

NM_181078.3(IL21R):c.790T>C (p.Trp264Arg)

Gene: IL21R (interleukin 21 receptor; plus strand). Cytogenetic location: 16p12.1.
Variant type: single nucleotide variant.
Coding change: c.790T>C on transcript NM_181078.3 (MANE Select); coding-DNA position 790, T replaced by C.
Protein change: p.Trp264Arg; replaces tryptophan 264 with arginine.
Molecular consequence: missense variant.
Genome position (GRCh38, 1-based): chr16:27,446,011, T>C. VCF-style: chr16-27446011-T-C. GRCh37 (hg19) VCF-style: chr16-27457332-T-C.
Other names: c.790T>C, p.Trp264Arg (NM_021798.4); c.856T>C, p.Trp286Arg (NM_181079.5); short protein forms W264R, W286R.
Identifiers: ClinVar variation 1027308 (VCV001027308.11), dbSNP rs2087470609, ClinGen allele CA395304915.
Genomic context (GRCh38, chr16:27,446,011, plus strand): 5'-GAGGCCAGGCTGCCCTCTGGTGATGTCAGGGTCCTCACCCCTCTCTGCCCCCTCAGGCTA[T>C]GGAAGAAGATATGGGCCGTCCCCAGCCCTGAGCGGTTCTTCATGCCCCTGTACAAGGGCT-3'
Protein context (NP_851564.1, residues 254-274): SLKTHPLWRL[Trp264Arg]KKIWAVPSPE

ClinVar aggregate classification (germline): Uncertain significance (1 of 4 stars; one submission).

Conditions:
Cryptosporidiosis-chronic cholangitis-liver disease syndrome. Also called: IL21R immunodeficiency; Immunodeficiency type 56. Identifiers: Orphanet 357329, MedGen C3554687, MONDO:0014082, OMIM 615207.

Allele frequency attached by ClinVar (database versions not stated): gnomAD 0.00001.
gnomAD v4.1: 1 of 1,612,484 alleles (0.000062%); highest among the groups gnomAD compares: Non-Finnish European, 0.000085%; no homozygotes.

Submission:

Labcorp Genetics (formerly Invitae), Labcorp
Classification: Uncertain significance for Cryptosporidiosis-chronic cholangitis-liver disease syndrome. Last evaluated: 2025-03-31. Review status: criteria provided, single submitter. Criteria: Invitae Variant Classification Sherloc (09022015). Collection method: clinical testing. Allele origin: germline.
Comment: This sequence change replaces tryptophan, which is neutral and slightly polar, with arginine, which is basic and polar, at codon 264 of the IL21R protein (p.Trp264Arg). This variant is not present in population databases (gnomAD no frequency). This variant has not been reported in the literature in individuals affected with IL21R-related conditions. ClinVar contains an entry for this variant (Variation ID: 1027308). Invitae Evidence Modeling of protein sequence and biophysical properties (such as structural, functional, and spatial information, amino acid conservation, physicochemical variation, residue mobility, and thermodynamic stability) indicates that this missense variant is expected to disrupt IL21R protein function with a positive predictive value of 80%. In summary, the available evidence is currently insufficient to determine the role of this variant in disease. Therefore, it has been classified as a Variant of Uncertain Significance.